The following is an entry in ClinVar:

NM_031372.4(HNRNPDL):c.989G>C (p.Gly330Ala)

Gene: HNRNPDL (heterogeneous nuclear ribonucleoprotein D like; minus strand). Cytogenetic location: 4q21.22.
Variant type: single nucleotide variant.
Coding change: c.989G>C on transcript NM_031372.4 (MANE Select); coding-DNA position 989, G replaced by C.
Protein change: p.Gly330Ala; replaces glycine 330 with alanine.
Molecular consequence: missense variant. On other transcripts: non-coding transcript variant (1).
Genome position (GRCh38, 1-based): chr4:82,427,222, C>G on the plus strand (G>C on the coding strand, the complement: HNRNPDL is on the minus strand). VCF-style: chr4-82427222-C-G. GRCh37 (hg19) VCF-style: chr4-83348375-C-G.
Other names: c.989G>C, p.Gly330Ala (NM_001207000.1); short protein forms G330A.
Identifiers: ClinVar variation 2132780 (VCV002132780.4), dbSNP rs2530013820, ClinGen allele CA357169494.
Genomic context (GRCh38, chr4:82,427,222, plus strand): 5'-GAGTCATATTTCAAGAATTAAGTCTCACCTCGGCCACGACCCCTCGTACCACCTCGTCCA[C>G]CAGCTGCAGCACCTCTTCCACCTTTTTGTTGTTGCTGTTGCTGCCTATATACCTCTTTGG-3'
Protein context (NP_112740.1, residues 320-340): QQKGGRGAAA[Gly330Ala]GRGGTRGRGR

ClinVar aggregate classification (germline): Uncertain significance (1 of 4 stars; one submission).

Conditions:
Autosomal dominant limb-girdle muscular dystrophy type 1G (LGMDD3). Also called: MUSCULAR DYSTROPHY, LIMB-GIRDLE, AUTOSOMAL DOMINANT 3; Limb-girdle muscular dystrophy, type 1G. Identifiers: Orphanet 55596, MedGen C1836765, MONDO:0012193, OMIM 609115.

Submission:

Labcorp Genetics (formerly Invitae), Labcorp
Classification: Uncertain significance for Autosomal dominant limb-girdle muscular dystrophy type 1G. Last evaluated: 2022-05-03. Review status: criteria provided, single submitter. Criteria: Invitae Variant Classification Sherloc (09022015). Collection method: clinical testing. Allele origin: germline.
Comment: In summary, the available evidence is currently insufficient to determine the role of this variant in disease. Therefore, it has been classified as a Variant of Uncertain Significance. Algorithms developed to predict the effect of missense changes on protein structure and function are either unavailable or do not agree on the potential impact of this missense change (SIFT: "Deleterious"; PolyPhen-2: "Benign"; Align-GVGD: "Class C0"). This variant has not been reported in the literature in individuals affected with HNRNPDL-related conditions. This variant is not present in population databases (gnomAD no frequency). This sequence change replaces glycine, which is neutral and non-polar, with alanine, which is neutral and non-polar, at codon 330 of the HNRNPDL protein (p.Gly330Ala).